The following is an entry in ClinVar:

ClinVar aggregate classification (germline): Pathogenic (1 of 4 stars; one submission).

Conditions:
ALG9 congenital disorder of glycosylation (CDG1L). Also called: CDG Il; CONGENITAL DISORDER OF GLYCOSYLATION, TYPE Il; ALG9-CDG. Identifiers: Orphanet 79328, MedGen C2931006, MONDO:0012117, OMIM 608776.

Submission:

Labcorp Genetics (formerly Invitae), Labcorp
Classification: Pathogenic for ALG9 congenital disorder of glycosylation. Last evaluated: 2024-10-02. Review status: criteria provided, single submitter. Criteria: Invitae Variant Classification Sherloc (09022015). Collection method: clinical testing. Allele origin: germline.
Comment: This sequence change creates a premature translational stop signal (p.Met305*) in the ATP6V0A2 gene. It is expected to result in an absent or disrupted protein product. Loss-of-function variants in ATP6V0A2 are known to be pathogenic (PMID: 18157129, 19321599). This variant is not present in population databases (gnomAD no frequency). This variant has not been reported in the literature in individuals affected with ATP6V0A2-related conditions. For these reasons, this variant has been classified as Pathogenic.

Literature cited by the submitters: PubMed 18157129; PubMed 19321599.

NM_012463.4(ATP6V0A2):c.913del (p.Lys304_Met305insTer)

Gene: ATP6V0A2 (ATPase H+ transporting V0 subunit a2; plus strand). Cytogenetic location: 12q24.31.
Variant type: Deletion.
Coding change: c.913del on transcript NM_012463.4 (MANE Select); coding-DNA position 913, one base deleted (A; older notation c.913delA).
Protein change: p.Lys304_Met305insTer.
Molecular consequence: nonsense.
Genome position (GRCh38, 1-based): chr12:123,737,146, A deleted; the last of 4 consecutive A bases (chr12:123,737,143-123,737,146); deleting any one gives the same sequence. VCF-style (leftmost placement, unchanged base first): chr12-123737142-GA-G. GRCh37 (hg19) VCF-style: chr12-124221689-GA-G.
Identifiers: ClinVar variation 3706136 (VCV003706136.2).
Genomic context (GRCh38, chr12:123,737,142, plus strand): 5'-TTTGAGGCAAGTGCTATGTAAAGCCGCCGAGTCTGTCTACAGCCGTGTGATCCAGGTGAA[GA>G]AAATGAAGGCCATCTATCACATGCTGAACATGTGCAGCTTTGACGTGACCAACAAGTGCC-3'